The following is an entry in ClinVar:

NM_000179.3(MSH6):c.3617C>T (p.Ala1206Val)

Gene: MSH6 (mutS homolog 6; plus strand). Cytogenetic location: 2p16.3.
Variant type: single nucleotide variant.
Coding change: c.3617C>T on transcript NM_000179.3 (MANE Select); coding-DNA position 3617, C replaced by T.
Protein change: p.Ala1206Val; replaces alanine 1206 with valine.
Molecular consequence: missense variant.
Genome position (GRCh38, 1-based): chr2:47,805,678, C>T. VCF-style: chr2-47805678-C-T. GRCh37 (hg19) VCF-style: chr2-48032817-C-T.
Other names: c.2711C>T, p.Ala904Val (NM_001406811.1, NM_001406814.1, NM_001406815.1 and 6 more transcripts); c.3623C>T, p.Ala1208Val (NM_001406813.1); c.2051C>T, p.Ala684Val (NM_001406817.1); c.3320C>T, p.Ala1107Val (NM_001406818.1, NM_001406819.1, NM_001406797.1 and 10 more transcripts); c.3227C>T, p.Ala1076Val (NM_001281492.2); c.3713C>T, p.Ala1238Val (NM_001406795.1, NM_001406802.1); c.3617C>T, p.Ala1206Val (NM_001406796.1, NM_001406800.1, NM_001406808.1 and 1 more transcripts); c.3443C>T, p.Ala1148Val (NM_001406798.1); and 7 more; short protein forms A1150V, A1148V, A1180V, A155V, A904V, A1031V, A1076V, A1107V.
Identifiers: ClinVar variation 1733276 (VCV001733276.7), dbSNP rs773068287, ClinGen allele CA346760582.

ClinVar aggregate classification (germline): Uncertain significance. Review status: criteria provided, multiple submitters, no conflicts (2 of 4 stars). 3 submissions from 3 submitters: Uncertain significance (3). Last evaluated 2025-07-31.

Conditions:
Hereditary cancer-predisposing syndrome. Also called: Neoplastic Syndromes, Hereditary; Tumor predisposition; Hereditary Cancer Syndrome; Hereditary neoplastic syndrome. Identifiers: Orphanet 140162, MedGen C0027672, MeSH D009386, MONDO:0015356.
Hereditary nonpolyposis colorectal neoplasms. Identifiers: MedGen C0009405, MeSH D003123.

Submissions (3):

Color Diagnostics, LLC DBA Color Health
Classification: Uncertain significance for Hereditary cancer-predisposing syndrome. Last evaluated: 2025-07-31. Review status: criteria provided, single submitter. Criteria: ACMG Guidelines, 2015. Collection method: clinical testing. Allele origin: germline.
Comment: This missense variant replaces alanine with valine at codon 1206 of the MSH6 protein. Computational prediction suggests that this variant may not impact protein structure and function. To our knowledge, functional studies have not been reported for this variant. This variant has not been reported in individuals affected with MSH6-related disorders in the literature. This variant has not been identified in the general population by the Genome Aggregation Database (gnomAD). The available evidence is insufficient to determine the role of this variant in disease conclusively. Therefore, this variant is classified as a Variant of Uncertain Significance.

Ambry Genetics
Classification: Uncertain significance for Hereditary cancer-predisposing syndrome. Last evaluated: 2025-07-28. Review status: criteria provided, single submitter. Criteria: Ambry Variant Classification Scheme 2023. Collection method: clinical testing. Allele origin: germline.
Comment: The p.A1206V variant (also known as c.3617C>T), located in coding exon 7 of the MSH6 gene, results from a C to T substitution at nucleotide position 3617. The alanine at codon 1206 is replaced by valine, an amino acid with similar properties. This amino acid position is not well conserved in available vertebrate species. In addition, this alteration is predicted to be tolerated by in silico analysis. Based on the available evidence, the clinical significance of this variant remains unclear.

Labcorp Genetics (formerly Invitae), Labcorp
Classification: Uncertain significance for Hereditary nonpolyposis colorectal neoplasms. Last evaluated: 2023-07-25. Review status: criteria provided, single submitter. Criteria: Invitae Variant Classification Sherloc (09022015). Collection method: clinical testing. Allele origin: germline.
Comment: ClinVar contains an entry for this variant (Variation ID: 1733276). Advanced modeling of protein sequence and biophysical properties (such as structural, functional, and spatial information, amino acid conservation, physicochemical variation, residue mobility, and thermodynamic stability) performed at Invitae indicates that this missense variant is not expected to disrupt MSH6 protein function. In summary, the available evidence is currently insufficient to determine the role of this variant in disease. Therefore, it has been classified as a Variant of Uncertain Significance. This variant has not been reported in the literature in individuals affected with MSH6-related conditions. This sequence change replaces alanine, which is neutral and non-polar, with valine, which is neutral and non-polar, at codon 1206 of the MSH6 protein (p.Ala1206Val). This variant is not present in population databases (gnomAD no frequency).